The following is an entry in ClinVar:

NM_000785.4(CYP27B1):c.1376G>A (p.Arg459His)

Gene: CYP27B1 (cytochrome P450 family 27 subfamily B member 1; minus strand). Cytogenetic location: 12q14.1.
Variant type: single nucleotide variant.
Coding change: c.1376G>A on transcript NM_000785.4 (MANE Select); coding-DNA position 1376, G replaced by A.
Protein change: p.Arg459His; replaces arginine 459 with histidine.
Molecular consequence: missense variant.
Genome position (GRCh38, 1-based): chr12:57,763,648, C>T on the plus strand (G>A on the coding strand, the complement: CYP27B1 is on the minus strand). VCF-style: chr12-57763648-C-T. GRCh37 (hg19) VCF-style: chr12-58157431-C-T.
Other names: c.1376G>A (NM_000785.3); short protein forms R459H.
Identifiers: ClinVar variation 1007304 (VCV001007304.14), dbSNP rs762550487, ClinGen allele CA6658142.

ClinVar aggregate classification (germline): Pathogenic/Likely pathogenic. Review status: criteria provided, multiple submitters, no conflicts (2 of 4 stars). 5 submissions from 5 submitters: Pathogenic (1); Likely pathogenic (4). Last evaluated 2025-05-01.

Conditions:
Vitamin D-dependent rickets, type 1A. Also called: PDDR IA; PSEUDOVITAMIN D-DEFICIENCY RICKETS, TYPE IA; VITAMIN D HYDROXYLATION-DEFICIENT RICKETS, TYPE 1A. Identifiers: MedGen CN283242, MONDO:0020723, OMIM 264700.

Allele frequency attached by ClinVar (database versions not stated): gnomAD 0.00001; ExAC 0.00002.
gnomAD v4.1: 11 of 1,613,844 alleles (0.00068%); highest among the groups gnomAD compares: Admixed American, 0.0033%; no homozygotes.

Submissions (5):

Myriad Genetics, Inc.
Classification: Likely pathogenic for Vitamin D-dependent rickets, type 1A. Last evaluated: 2025-05-01. Review status: criteria provided, single submitter. Criteria: Myriad Autosomal Dominant, Autosomal Recessive and X-Linked Classification Criteria (2023). Collection method: clinical testing. Allele origin: unknown.
Comment: NM_000785.3(CYP27B1):c.1376G>A(R459H) is a missense variant classified as likely pathogenic in the context of vitamin D-dependent rickets, CYP27B1-related. R459H has been observed in cases with relevant disease (PMID: 36692815, 36561972, 34633109). Relevant functional assessments of this variant are not available in the literature. Internal structural analysis of the variant is supportive of pathogenicity. R459H has been observed in referenced population frequency databases. In summary, NM_000785.3(CYP27B1):c.1376G>A(R459H) is a missense variant that has internal structural support for pathogenicity and has been observed more frequently in cases with the relevant disease than in healthy populations. Please note: this variant was assessed in the context of healthy population screening.

GeneDx
Classification: Likely pathogenic. Last evaluated: 2024-11-06. Review status: criteria provided, single submitter. Criteria: GeneDx Variant Classification Process June 2021. Collection method: clinical testing. Allele origin: germline. Affected: yes.
Comment: In silico analysis supports that this missense variant has a deleterious effect on protein structure/function; This variant is associated with the following publications: (PMID: 36561972, 36692815, 34633109)

Labcorp Genetics (formerly Invitae), Labcorp
Classification: Pathogenic. Last evaluated: 2024-07-31. Review status: criteria provided, single submitter. Criteria: Invitae Variant Classification Sherloc (09022015). Collection method: clinical testing. Allele origin: germline.
Comment: This sequence change replaces arginine, which is basic and polar, with histidine, which is basic and polar, at codon 459 of the CYP27B1 protein (p.Arg459His). This variant is present in population databases (rs762550487, gnomAD 0.006%). This missense change has been observed in individual(s) with vitamin D-dependent rickets (PMID: 36561972, 36692815; Invitae). In at least one individual the data is consistent with being in trans (on the opposite chromosome) from a pathogenic variant. ClinVar contains an entry for this variant (Variation ID: 1007304). Advanced modeling of protein sequence and biophysical properties (such as structural, functional, and spatial information, amino acid conservation, physicochemical variation, residue mobility, and thermodynamic stability) performed at Invitae indicates that this missense variant is not expected to disrupt CYP27B1 protein function with a negative predictive value of 80%. This variant disrupts the p.Arg459 amino acid residue in CYP27B1. Other variant(s) that disrupt this residue have been determined to be pathogenic (PMID: 22588163, 24197768). This suggests that this residue is clinically significant, and that variants that disrupt this residue are likely to be disease-causing. For these reasons, this variant has been classified as Pathogenic.

Fulgent Genetics
Classification: Likely pathogenic for Vitamin D-dependent rickets, type 1A. Last evaluated: 2024-04-26. Review status: criteria provided, single submitter. Criteria: ACMG Guidelines, 2015. Collection method: clinical testing. Allele origin: germline.

Neuberg Centre For Genomic Medicine, NCGM
Classification: Likely pathogenic for Vitamin D-dependent rickets, type 1A. Review status: criteria provided, single submitter. Criteria: ACMG Guidelines, 2015. Collection method: clinical testing. Allele origin: germline. Affected: yes.
Comment: The missense variant p.R459H in CYP27B1 (NM_000785.4) has not been reported previously as a pathogenic or a benign variant. Another missense variant affecting the same residue R459C has been previously reported to be disease causing. The p.R459H variant is observed in 2/30,616 (0.0065%) alleles from individuals of South Asian background in gnomAD Exomes and is novel (not in any individuals) in 1000 Genomes. The p.R459H missense variant is predicted to be damaging by both SIFT and PolyPhen2. The arginine residue at codon 459 of CYP27B1 is conserved in all mammalian species. The nucleotide c.1376 in CYP27B1 is predicted conserved by GERP++ and PhyloP across 100 vertebrates. For these reasons, this variant has been classified as Likely Pathogenic.

Literature cited by the submitters: PubMed 34633109 (cited by Myriad Genetics, Inc.); PubMed 36561972 (cited by Myriad Genetics, Inc. and Labcorp Genetics (formerly Invitae), Labcorp); PubMed 36692815 (cited by Myriad Genetics, Inc. and Labcorp Genetics (formerly Invitae), Labcorp); PubMed 22588163 (cited by Labcorp Genetics (formerly Invitae), Labcorp); PubMed 24197768 (cited by Labcorp Genetics (formerly Invitae), Labcorp).